The following is an entry in ClinVar:

NM_001848.3(COL6A1):c.1141G>A (p.Glu381Lys)

Gene: COL6A1 (collagen type VI alpha 1 chain; plus strand). Cytogenetic location: 21q22.3.
Variant type: single nucleotide variant.
Coding change: c.1141G>A on transcript NM_001848.3 (MANE Select); coding-DNA position 1141, G replaced by A.
Protein change: p.Glu381Lys; replaces glutamic acid 381 with lysine.
Molecular consequence: missense variant.
Genome position (GRCh38, 1-based): chr21:45,992,031, G>A. VCF-style: chr21-45992031-G-A. GRCh37 (hg19) VCF-style: chr21-47411945-G-A.
Other names: short protein forms E381K.
Identifiers: ClinVar variation 2124238 (VCV002124238.4), dbSNP rs2526327947, ClinGen allele CA410524741.
Genomic context (GRCh38, chr21:45,992,031, plus strand): 5'-ACCCCTGCCAGCGTGTGTGACTCCCCCGGTCTTCCCCAGGGCGAGCCTGGAGCTGACGGG[G>A]AGGCGGGGAGACCAGGGAGCTCGGGACCATCTGGAGACGAGGTGAGGAGCTTCACAGCCC-3'
Protein context (NP_001839.2, residues 371-391): GEKGEPGADG[Glu381Lys]AGRPGSSGPS

ClinVar aggregate classification (germline): Uncertain significance (1 of 4 stars; one submission).

Conditions:
Bethlem myopathy 1A. Also called: MYOPATHY, BENIGN CONGENITAL, WITH CONTRACTURES; Bethlem myopathy 1; Bethlem Muscular Dystrophy. Identifiers: Orphanet 610, MedGen CN029274, MONDO:0024530, OMIM 158810.

gnomAD v4.1: 1 of 1,603,974 alleles (0.000062%); highest among the groups gnomAD compares: Non-Finnish European, 0.000085%; no homozygotes.

Submission:

Labcorp Genetics (formerly Invitae), Labcorp
Classification: Uncertain significance for Bethlem myopathy 1A. Last evaluated: 2022-08-07. Review status: criteria provided, single submitter. Criteria: Invitae Variant Classification Sherloc (09022015). Collection method: clinical testing. Allele origin: germline.
Comment: In summary, the available evidence is currently insufficient to determine the role of this variant in disease. Therefore, it has been classified as a Variant of Uncertain Significance. Advanced modeling of protein sequence and biophysical properties (such as structural, functional, and spatial information, amino acid conservation, physicochemical variation, residue mobility, and thermodynamic stability) performed at Invitae indicates that this missense variant is not expected to disrupt COL6A1 protein function. This variant has not been reported in the literature in individuals affected with COL6A1-related conditions. This variant is not present in population databases (gnomAD no frequency). This sequence change replaces glutamic acid, which is acidic and polar, with lysine, which is basic and polar, at codon 381 of the COL6A1 protein (p.Glu381Lys).